The following is an entry in ClinVar:

ClinVar aggregate classification (germline): Uncertain significance (1 of 4 stars; one submission).

Submission:

Labcorp Genetics (formerly Invitae), Labcorp
Classification: Uncertain significance. Last evaluated: 2021-05-03. Review status: criteria provided, single submitter. Criteria: Invitae Variant Classification Sherloc (09022015). Collection method: clinical testing. Allele origin: germline.
Comment: In summary, the available evidence is currently insufficient to determine the role of this variant in disease. Therefore, it has been classified as a Variant of Uncertain Significance. Advanced modeling of protein sequence and biophysical properties (such as structural, functional, and spatial information, amino acid conservation, physicochemical variation, residue mobility, and thermodynamic stability) performed at Invitae indicates that this missense variant is not expected to disrupt PRKN protein function. This variant has not been reported in the literature in individuals with PRKN-related conditions. This variant is not present in population databases (ExAC no frequency). This sequence change replaces glycine with arginine at codon 354 of the PRKN protein (p.Gly354Arg). The glycine residue is moderately conserved and there is a moderate physicochemical difference between glycine and arginine.

NM_004562.3(PRKN):c.1060G>A (p.Gly354Arg)

Gene: PRKN (parkin RBR E3 ubiquitin protein ligase; minus strand). Cytogenetic location: 6q26.
Variant type: single nucleotide variant.
Coding change: c.1060G>A on transcript NM_004562.3 (MANE Select); coding-DNA position 1060, G replaced by A.
Protein change: p.Gly354Arg; replaces glycine 354 with arginine.
Molecular consequence: missense variant.
Genome position (GRCh38, 1-based): chr6:161,548,877, C>T on the plus strand (G>A on the coding strand, the complement: PRKN is on the minus strand). VCF-style: chr6-161548877-C-T. GRCh37 (hg19) VCF-style: chr6-161969909-C-T.
Other names: c.976G>A, p.Gly326Arg (NM_013987.3); c.613G>A, p.Gly205Arg (NM_013988.3); short protein forms G205R, G326R, G354R.
Identifiers: ClinVar variation 1354502 (VCV001354502.8), dbSNP rs2115426337, ClinGen allele CA366460335.